The following is an entry in ClinVar:

NM_006493.4(CLN5):c.1051A>G (p.Arg351Gly)

Gene: CLN5 (CLN5 lysosomal BMP synthase; plus strand). Cytogenetic location: 13q22.3.
Variant type: single nucleotide variant.
Coding change: c.1051A>G on transcript NM_006493.4 (MANE Select); coding-DNA position 1051, A replaced by G.
Protein change: p.Arg351Gly; replaces arginine 351 with glycine.
Molecular consequence: missense variant. On other transcripts: 3 prime UTR variant (1).
Genome position (GRCh38, 1-based): chr13:77,000,943, A>G. VCF-style: chr13-77000943-A-G. GRCh37 (hg19) VCF-style: chr13-77575078-A-G.
Other names: c.*500A>G (NM_001366624.2); short protein forms R351G.
Identifiers: ClinVar variation 1390596 (VCV001390596.5), dbSNP rs2154035217, ClinGen allele CA388314953.

ClinVar aggregate classification (germline): Uncertain significance (1 of 4 stars; one submission).

Conditions:
Neuronal ceroid lipofuscinosis. Also called: Neuronal Ceroid Lipofuscinoses. Identifiers: Orphanet 216, Orphanet 79263, MedGen C0027877, MONDO:0016295. Disease mechanism: loss of function.

Submission:

Labcorp Genetics (formerly Invitae), Labcorp
Classification: Uncertain significance for Neuronal ceroid lipofuscinosis. Last evaluated: 2022-02-22. Review status: criteria provided, single submitter. Criteria: Invitae Variant Classification Sherloc (09022015). Collection method: clinical testing. Allele origin: germline.
Comment: This sequence change replaces arginine, which is basic and polar, with glycine, which is neutral and non-polar, at codon 400 of the CLN5 protein (p.Arg400Gly). This variant is not present in population databases (gnomAD no frequency). This variant has not been reported in the literature in individuals affected with CLN5-related conditions. Algorithms developed to predict the effect of missense changes on protein structure and function are either unavailable or do not agree on the potential impact of this missense change (SIFT: "Tolerated"; PolyPhen-2: "Possibly Damaging"; Align-GVGD: "Class C0"). In summary, the available evidence is currently insufficient to determine the role of this variant in disease. Therefore, it has been classified as a Variant of Uncertain Significance.